The following is an entry in ClinVar:

ClinVar aggregate classification (germline): Uncertain significance (1 of 4 stars; one submission).

Allele frequency attached by ClinVar (database versions not stated): TOPMed 0.00001; ExAC 0.00002; gnomAD exomes 0.00002; gnomAD 0.00003.
gnomAD v4.1: 32 of 1,611,672 alleles (0.002%); highest among the groups gnomAD compares: African/African-American, 0.0027%; 1 homozygote.

Submission:

Labcorp Genetics (formerly Invitae), Labcorp
Classification: Uncertain significance. Last evaluated: 2025-08-18. Review status: criteria provided, single submitter. Criteria: Invitae Variant Classification Sherloc (09022015). Collection method: clinical testing. Allele origin: germline.
Comment: This sequence change replaces arginine, which is basic and polar, with histidine, which is basic and polar, at codon 482 of the NIN protein (p.Arg482His). This variant is present in population databases (rs779933299, gnomAD 0.005%). This variant has not been reported in the literature in individuals affected with NIN-related conditions. ClinVar contains an entry for this variant (Variation ID: 2067246). An algorithm developed to predict the effect of missense changes on protein structure and function (PolyPhen-2) suggests that this variant is likely to be disruptive. In summary, the available evidence is currently insufficient to determine the role of this variant in disease. Therefore, it has been classified as a Variant of Uncertain Significance.

NM_020921.4(NIN):c.1445G>A (p.Arg482His)

Gene: NIN (ninein; minus strand). Cytogenetic location: 14q22.1.
Variant type: single nucleotide variant.
Coding change: c.1445G>A on transcript NM_020921.4 (MANE Select); coding-DNA position 1445, G replaced by A.
Protein change: p.Arg482His; replaces arginine 482 with histidine.
Molecular consequence: missense variant.
Genome position (GRCh38, 1-based): chr14:50,766,880, C>T on the plus strand (G>A on the coding strand, the complement: NIN is on the minus strand). VCF-style: chr14-50766880-C-T. GRCh37 (hg19) VCF-style: chr14-51233598-C-T.
Other names: c.1445G>A, p.Arg482His (NM_016350.5, NM_182944.3, NM_182946.2); short protein forms R482H.
Identifiers: ClinVar variation 2067246 (VCV002067246.4), dbSNP rs779933299, ClinGen allele CA7182186.